The following is an entry in ClinVar:

ClinVar aggregate classification (germline): Uncertain significance (1 of 4 stars; one submission).

Conditions:
Severe combined immunodeficiency due to DCLRE1C deficiency (RS-SCID). Also called: SCID, AUTOSOMAL RECESSIVE, T CELL-NEGATIVE, B CELL-NEGATIVE, NK CELL-POSITIVE, WITH SENSITIVITY TO IONIZING RADIATION. Identifiers: Orphanet 275, MedGen C1865371, MONDO:0011225, OMIM 602450.

gnomAD v4.1: 1 of 1,613,984 alleles (0.000062%); highest among the groups gnomAD compares: Non-Finnish European, 0.000085%; no homozygotes.

Submission:

Labcorp Genetics (formerly Invitae), Labcorp
Classification: Uncertain significance for Athabaskan severe combined immunodeficiency. Last evaluated: 2024-02-19. Review status: criteria provided, single submitter. Criteria: Invitae Variant Classification Sherloc (09022015). Collection method: clinical testing. Allele origin: germline.
Comment: This sequence change replaces glutamine, which is neutral and polar, with arginine, which is basic and polar, at codon 363 of the DCLRE1C protein (p.Gln363Arg). This variant is not present in population databases (gnomAD no frequency). This variant has not been reported in the literature in individuals affected with DCLRE1C-related conditions. ClinVar contains an entry for this variant (Variation ID: 1490372). Advanced modeling of protein sequence and biophysical properties (such as structural, functional, and spatial information, amino acid conservation, physicochemical variation, residue mobility, and thermodynamic stability) performed at Invitae indicates that this missense variant is not expected to disrupt DCLRE1C protein function with a negative predictive value of 80%. In summary, the available evidence is currently insufficient to determine the role of this variant in disease. Therefore, it has been classified as a Variant of Uncertain Significance.

NM_001033855.3(DCLRE1C):c.1088A>G (p.Gln363Arg)

Gene: DCLRE1C (DNA cross-link repair 1C; minus strand). Cytogenetic location: 10p13.
Variant type: single nucleotide variant.
Coding change: c.1088A>G on transcript NM_001033855.3 (MANE Select); coding-DNA position 1088, A replaced by G.
Protein change: p.Gln363Arg; replaces glutamine 363 with arginine.
Molecular consequence: missense variant. On other transcripts: non-coding transcript variant (4).
Genome position (GRCh38, 1-based): chr10:14,919,806, T>C on the plus strand (A>G on the coding strand, the complement: DCLRE1C is on the minus strand). VCF-style: chr10-14919806-T-C. GRCh37 (hg19) VCF-style: chr10-14961805-T-C.
Other names: c.728A>G, p.Gln243Arg (NM_001033857.3, NM_001033858.3, NM_001289077.2 and 2 more transcripts); c.743A>G, p.Gln248Arg (NM_001289076.2, NM_001289078.2, NM_001350966.2 and 1 more transcripts); c.1088A>G, p.Gln363Arg (NM_001350965.2); short protein forms Q243R, Q248R, Q363R.
Identifiers: ClinVar variation 1490372 (VCV001490372.7), dbSNP rs1213080376, ClinGen allele CA376078331.